The following is an entry in ClinVar:

ClinVar aggregate classification (germline): Likely benign (0 of 4 stars; one submission).

Conditions:
LRIG1-related disorder. Also called: LRIG1-related condition.

Allele frequency attached by ClinVar (database versions not stated): ESP Exome Variant Server 0.00069; gnomAD 0.00096; TOPMed 0.00117; ExAC 0.00291; 1000 Genomes Project 0.00459; 1000 Genomes Project 30x 0.00468.
gnomAD v4.1: 1,617 of 1,614,134 alleles (0.1%); highest among the groups gnomAD compares: Admixed American, 0.72%; 14 homozygotes.

Submission:

PreventionGenetics, part of Exact Sciences
Classification: Likely benign for LRIG1-related condition. Last evaluated: 2019-04-05. Review status: no assertion criteria provided. Collection method: clinical testing. Allele origin: germline.
Comment: This variant is classified as likely benign based on ACMG/AMP sequence variant interpretation guidelines (Richards et al. 2015 PMID: 25741868, with internal and published modifications).

NM_015541.3(LRIG1):c.1656C>T (p.Asp552=)

Gene: LRIG1 (leucine rich repeats and immunoglobulin like domains 1; minus strand). Cytogenetic location: 3p14.1.
Variant type: single nucleotide variant.
Coding change: c.1656C>T on transcript NM_015541.3 (MANE Select); coding-DNA position 1656, C replaced by T.
Protein change: p.Asp552=; no amino-acid change (aspartic acid 552 retained).
Molecular consequence: synonymous variant.
Genome position (GRCh38, 1-based): chr3:66,386,114, G>A on the plus strand (C>T on the coding strand, the complement: LRIG1 is on the minus strand). VCF-style: chr3-66386114-G-A. GRCh37 (hg19) VCF-style: chr3-66436538-G-A.
Other names: c.1581C>T, p.Asp527= (NM_001377344.1); c.876C>T, p.Asp292= (NM_001377345.1, NM_001377346.1); c.654C>T, p.Asp218= (NM_001377347.1); c.627C>T, p.Asp209= (NM_001377348.1); c.372C>T, p.Asp124= (NM_001377349.1).
Identifiers: ClinVar variation 3052542 (VCV003052542.2), dbSNP rs140362329, ClinGen allele CA2484676.
Genomic context (GRCh38, chr3:66,386,114, plus strand): 5'-CTCGTGCCCGAAAGTGACCTGACGGAGGTGCAGGATGGTGGTGTACTCCATCACTTCCCC[G>A]TCCTGCGCGTGGACGTGGACAAAGTTCTCCATGTCTGCATTGGTCAGGACTTCATTGTCT-3'
Protein context (NP_056356.2, residues 542-562): MENFVHVHAQ[Asp552=]GEVMEYTTIL